The following is an entry in ClinVar:

NM_178862.3(STT3B):c.1062T>G (p.Phe354Leu)

Gene: STT3B (STT3 oligosaccharyltransferase complex catalytic subunit B; plus strand). Cytogenetic location: 3p23.
Variant type: single nucleotide variant.
Coding change: c.1062T>G on transcript NM_178862.3 (MANE Select); coding-DNA position 1062, T replaced by G.
Protein change: p.Phe354Leu; replaces phenylalanine 354 with leucine.
Molecular consequence: missense variant.
Genome position (GRCh38, 1-based): chr3:31,617,014, T>G. VCF-style: chr3-31617014-T-G. GRCh37 (hg19) VCF-style: chr3-31658506-T-G.
Other names: short protein forms F354L.
Identifiers: ClinVar variation 4740080 (VCV004740080.1).
Genomic context (GRCh38, chr3:31,617,014, plus strand): 5'-TGCTTTCTTGCAGTATCTGAGAGACCGATTAACAAAACAAGAGTTCCAGACCCTTTTCTT[T>G]TTGGGTGTATCACTAGCTGCAGGTGCTGTGTTCCTTAGTGTCATCTATTTGACTTATACA-3'
Protein context (NP_849193.1, residues 344-364): LTKQEFQTLF[Phe354Leu]LGVSLAAGAV

ClinVar aggregate classification (germline): Uncertain significance (1 of 4 stars; one submission).

Conditions:
STT3B-congenital disorder of glycosylation. Also called: STT3B-CDG; CDG Ix; Congenital disorder of glycosylation type 1x. Identifiers: Orphanet 370924, MedGen C2931007, MONDO:0014271, OMIM 615597.

gnomAD v4.1: 7 of 1,611,830 alleles (0.00043%); highest among the groups gnomAD compares: African/African-American, 0.0053%; no homozygotes.

Submission:

Labcorp Genetics (formerly Invitae), Labcorp
Classification: Uncertain significance for STT3B-congenital disorder of glycosylation. Last evaluated: 2025-02-15. Review status: criteria provided, single submitter. Criteria: Invitae Variant Classification Sherloc (09022015). Collection method: clinical testing. Allele origin: germline.
Comment: This sequence change replaces phenylalanine, which is neutral and non-polar, with leucine, which is neutral and non-polar, at codon 354 of the STT3B protein (p.Phe354Leu). This variant is present in population databases (no rsID available, gnomAD 0.004%). This variant has not been reported in the literature in individuals affected with STT3B-related conditions. Invitae Evidence Modeling of protein sequence and biophysical properties (such as structural, functional, and spatial information, amino acid conservation, physicochemical variation, residue mobility, and thermodynamic stability) indicates that this missense variant is not expected to disrupt STT3B protein function with a negative predictive value of 80%. In summary, the available evidence is currently insufficient to determine the role of this variant in disease. Therefore, it has been classified as a Variant of Uncertain Significance.